The following is an entry in ClinVar:

NM_024757.5(EHMT1):c.3259-2A>G

Gene: EHMT1 (euchromatic histone lysine methyltransferase 1; plus strand). Cytogenetic location: 9q34.3.
Variant type: single nucleotide variant.
Coding change: c.3259-2A>G on transcript NM_024757.5 (MANE Select); the canonical splice acceptor site of the intron before coding-DNA position 3259, A replaced by G.
Molecular consequence: splice acceptor variant.
Genome position (GRCh38, 1-based): chr9:137,815,945, A>G. VCF-style: chr9-137815945-A-G. GRCh37 (hg19) VCF-style: chr9-140710397-A-G.
Other names: c.3238-2A>G (NM_001354263.2).
Identifiers: ClinVar variation 3236871 (VCV003236871.1).

ClinVar aggregate classification (germline): Pathogenic (1 of 4 stars; one submission).

Conditions:
Kleefstra syndrome 1 (KLEFS1). Identifiers: Orphanet 261494, MedGen C0795833, MONDO:0027407, OMIM 610253.

Submission:

Laboratory of Genetics, Children's Clinical University Hospital Latvia
Classification: Pathogenic for Kleefstra syndrome 1. Review status: criteria provided, single submitter. Criteria: ACMG Guidelines, 2015. Collection method: curation. Allele origin: de novo. Affected: yes.
Comment: de novo

Literature cited by the submitters: PubMed 39013458.